The following is an entry in ClinVar:

NM_001267550.2(TTN):c.97114_97135del (p.Arg32372fs)

Genes: TTN-AS1 (TTN antisense RNA 1; plus strand), TTN (titin; minus strand). Cytogenetic location: 2q31.2.
Variant type: Deletion.
Coding change: c.97114_97135del on transcript NM_001267550.2 (MANE Select); coding-DNA positions 97114 to 97135, 22 bases deleted (AGAGATACTGGAGAATACACAC).
Protein change: p.Arg32372fs; shifts the reading frame from arginine 32372.
Molecular consequence: frameshift variant.
Genome position (GRCh38, 1-based): chr2:178,542,719-178,542,740, GTGTGTATTCTCCAGTATCTCT deleted on the plus strand (AGAGATACTGGAGAATACACAC on the coding strand, the reverse complement: TTN is on the minus strand); deleting any 22 consecutive bases within chr2:178,542,719-178,542,741 gives the same sequence; the c. name uses the placement nearest the transcript's 3' end. VCF-style (leftmost placement, unchanged base first): chr2-178542718-AGTGTGTATTCTCCAGTATCTCT-A. GRCh37 (hg19) VCF-style: chr2-179407445-AGTGTGTATTCTCCAGTATCTCT-A.
Other names: c.92191_92212del, p.Arg30731fs (NM_001256850.1); c.69919_69940del, p.Arg23307fs (NM_003319.4); c.89410_89431del, p.Arg29804fs (NM_133378.4); c.70294_70315del, p.Arg23432fs (NM_133432.3); c.70495_70516del, p.Arg23499fs (NM_133437.4); short protein forms R23307fs, R23432fs, R23499fs, R29804fs, R30731fs, R32372fs.
Identifiers: ClinVar variation 3758584 (VCV003758584.2).

ClinVar aggregate classification (germline): Likely pathogenic (1 of 4 stars; one submission).

Conditions:
Dilated cardiomyopathy 1G (CMD1G). Identifiers: Orphanet 154, MedGen C1858763, MONDO:0011400, OMIM 604145.
Autosomal recessive limb-girdle muscular dystrophy type 2J (LGMDR10). Also called: Limb-girdle muscular dystrophy, type 2J; MUSCULAR DYSTROPHY, LIMB-GIRDLE, AUTOSOMAL RECESSIVE 10. Identifiers: Orphanet 140922, MedGen C1837342, MONDO:0012127, OMIM 608807.

Submission:

Labcorp Genetics (formerly Invitae), Labcorp
Classification: Likely pathogenic for Dilated cardiomyopathy 1G; Autosomal recessive limb-girdle muscular dystrophy type 2J. Last evaluated: 2024-09-11. Review status: criteria provided, single submitter. Criteria: Invitae Variant Classification Sherloc (09022015). Collection method: clinical testing. Allele origin: germline.
Comment: This sequence change creates a premature translational stop signal (p.Arg32372Leufs*3) in the TTN gene. While this is not anticipated to result in nonsense mediated decay, it is expected to create a truncated TTN protein. This variant is not present in population databases (gnomAD no frequency). This variant has not been reported in the literature in individuals affected with TTN-related conditions. This variant is located in the A band of TTN (PMID: 25589632). Truncating variants in this region are significantly overrepresented in patients affected with dilated cardiomyopathy (PMID: 25589632). Truncating variants in this region have also been reported in individuals affected with autosomal recessive centronuclear myopathy (PMID: 23975875). In summary, the currently available evidence indicates that the variant is pathogenic, but additional data are needed to prove that conclusively. Therefore, this variant has been classified as Likely Pathogenic.

Literature cited by the submitters: PubMed 25589632; PubMed 23975875.